The following is an entry in ClinVar:

NM_153460.4(IL17RC):c.1205G>A (p.Gly402Asp)

Gene: IL17RC (interleukin 17 receptor C; plus strand). Cytogenetic location: 3p25.3.
Variant type: single nucleotide variant.
Coding change: c.1205G>A on transcript NM_153460.4 (MANE Select); coding-DNA position 1205, G replaced by A.
Protein change: p.Gly402Asp; replaces glycine 402 with aspartic acid.
Molecular consequence: missense variant. On other transcripts: non-coding transcript variant (1).
Genome position (GRCh38, 1-based): chr3:9,930,076, G>A. VCF-style: chr3-9930076-G-A. GRCh37 (hg19) VCF-style: chr3-9971760-G-A.
Other names: c.1205G>A, p.Gly402Asp (NM_001203263.2); c.1154G>A, p.Gly385Asp (NM_001203264.2); c.1109G>A, p.Gly370Asp (NM_001203265.2, NM_001410711.1); c.1166G>A, p.Gly389Asp (NM_001367278.1); c.1085G>A, p.Gly362Asp (NM_001367279.1); c.1160G>A, p.Gly387Asp (NM_001367280.1, NM_032732.6); c.1418G>A, p.Gly473Asp (NM_153461.4); short protein forms G362D, G385D, G389D, G370D, G473D, G387D, G402D.
Identifiers: ClinVar variation 2828538 (VCV002828538.3), dbSNP rs754805598, ClinGen allele CA2247197.
Genomic context (GRCh38, chr3:9,930,076, plus strand): 5'-CACCCCTTCCAGACTCCCTGGGGCCTCTCAAAGACGATGTGCTACTGTTGGAGACACGAG[G>A]CCCCCAGGACAACAGATCCCTCTGTGCCTTGGAACCCAGTGGCTGTACTTCACTACCCAG-3'
Protein context (NP_703190.2, residues 392-412): KDDVLLLETR[Gly402Asp]PQDNRSLCAL

ClinVar aggregate classification (germline): Uncertain significance (1 of 4 stars; one submission).

Conditions:
Candidiasis, familial, 9 (CANDF9). Identifiers: Orphanet 1334, MedGen C4225324, MONDO:0014642, OMIM 616445.

gnomAD v4.1: 1 of 1,614,072 alleles (0.000062%); highest among the groups gnomAD compares: African/African-American, 0.0013%; no homozygotes.

Submission:

Labcorp Genetics (formerly Invitae), Labcorp
Classification: Uncertain significance for Candidiasis, familial, 9. Last evaluated: 2023-01-14. Review status: criteria provided, single submitter. Criteria: Invitae Variant Classification Sherloc (09022015). Collection method: clinical testing. Allele origin: germline.
Comment: Algorithms developed to predict the effect of missense changes on protein structure and function output the following: SIFT: "Tolerated"; PolyPhen-2: "Benign"; Align-GVGD: "Class C0". The aspartic acid amino acid residue is found in multiple mammalian species, which suggests that this missense change does not adversely affect protein function. In summary, the available evidence is currently insufficient to determine the role of this variant in disease. Therefore, it has been classified as a Variant of Uncertain Significance. This variant has not been reported in the literature in individuals affected with IL17RC-related conditions. This sequence change replaces glycine, which is neutral and non-polar, with aspartic acid, which is acidic and polar, at codon 473 of the IL17RC protein (p.Gly473Asp). This variant is present in population databases (rs754805598, gnomAD 0.007%).